The following is an entry in ClinVar:

ClinVar aggregate classification (germline): Uncertain significance (1 of 4 stars; one submission).

Submission:

Labcorp Genetics (formerly Invitae), Labcorp
Classification: Uncertain significance. Last evaluated: 2020-03-17. Review status: criteria provided, single submitter. Criteria: Invitae Variant Classification Sherloc (09022015). Collection method: clinical testing. Allele origin: germline.
Comment: In summary, the available evidence is currently insufficient to determine the role of this variant in disease. Therefore, it has been classified as a Variant of Uncertain Significance. This sequence change replaces glutamic acid with glutamine at codon 519 of the SCN3A protein (p.Glu519Gln). The glutamic acid residue is moderately conserved and there is a small physicochemical difference between glutamic acid and glutamine. This variant is not present in population databases (ExAC no frequency). This variant has not been reported in the literature in individuals with SCN3A-related conditions. Algorithms developed to predict the effect of missense changes on protein structure and function output the following: SIFT: "Tolerated"; PolyPhen-2: "Benign"; Align-GVGD: "Class C0". The glutamine amino acid residue is found in multiple mammalian species, suggesting that this missense change does not adversely affect protein function. These predictions have not been confirmed by published functional studies and their clinical significance is uncertain.

NM_006922.4(SCN3A):c.1555G>C (p.Glu519Gln)

Gene: SCN3A (sodium voltage-gated channel alpha subunit 3; minus strand). Cytogenetic location: 2q24.3.
Variant type: single nucleotide variant.
Coding change: c.1555G>C on transcript NM_006922.4 (MANE Select); coding-DNA position 1555, G replaced by C.
Protein change: p.Glu519Gln; replaces glutamic acid 519 with glutamine.
Molecular consequence: missense variant.
Genome position (GRCh38, 1-based): chr2:165,146,855, C>G on the plus strand (G>C on the coding strand, the complement: SCN3A is on the minus strand). VCF-style: chr2-165146855-C-G. GRCh37 (hg19) VCF-style: chr2-166003365-C-G.
Other names: c.1555G>C, p.Glu519Gln (NM_001081676.2, NM_001081677.2); short protein forms E519Q.
Identifiers: ClinVar variation 1060027 (VCV001060027.9), dbSNP rs2105833858, ClinGen allele CA349236500.